The following is an entry in ClinVar:

ClinVar aggregate classification (germline): Uncertain significance (1 of 4 stars; one submission).

Submission:

Labcorp Genetics (formerly Invitae), Labcorp
Classification: Uncertain significance. Last evaluated: 2021-10-13. Review status: criteria provided, single submitter. Criteria: Invitae Variant Classification Sherloc (09022015). Collection method: clinical testing. Allele origin: germline.
Comment: In summary, the available evidence is currently insufficient to determine the role of this variant in disease. Therefore, it has been classified as a Variant of Uncertain Significance. This sequence change replaces proline with arginine at codon 184 of the ASAH1 protein (p.Pro184Arg). The proline residue is highly conserved and there is a moderate physicochemical difference between proline and arginine. This variant is not present in population databases (ExAC no frequency). This variant has not been reported in the literature in individuals affected with ASAH1-related conditions. Algorithms developed to predict the effect of missense changes on protein structure and function are either unavailable or do not agree on the potential impact of this missense change (SIFT: "Tolerated"; PolyPhen-2: "Possibly Damaging"; Align-GVGD: "Class C0").

NM_177924.5(ASAH1):c.551C>G (p.Pro184Arg)

Gene: ASAH1 (N-acylsphingosine amidohydrolase 1; minus strand). Cytogenetic location: 8p22.
Variant type: single nucleotide variant.
Coding change: c.551C>G on transcript NM_177924.5 (MANE Select); coding-DNA position 551, C replaced by G.
Protein change: p.Pro184Arg; replaces proline 184 with arginine.
Molecular consequence: missense variant.
Genome position (GRCh38, 1-based): chr8:18,062,376, G>C on the plus strand (C>G on the coding strand, the complement: ASAH1 is on the minus strand). VCF-style: chr8-18062376-G-C. GRCh37 (hg19) VCF-style: chr8-17919885-G-C.
Other names: c.533C>G, p.Pro178Arg (NM_001127505.3); c.356C>G, p.Pro119Arg (NM_001363743.2); c.599C>G, p.Pro200Arg (NM_004315.6); short protein forms P119R, P178R, P184R, P200R.
Identifiers: ClinVar variation 1386796 (VCV001386796.6), dbSNP rs540913734, ClinGen allele CA370430153.